The following is an entry in ClinVar:

NM_058174.3(COL6A2):c.2585A>G (p.Gln862Arg)

Gene: COL6A2 (collagen type VI alpha 2 chain; plus strand). Cytogenetic location: 21q22.3.
Variant type: single nucleotide variant.
Coding change: c.2585A>G on transcript NM_058174.3 (MANE Plus Clinical); coding-DNA position 2585, A replaced by G.
Protein change: p.Gln862Arg; replaces glutamine 862 with arginine.
Molecular consequence: missense variant. On other transcripts: 3 prime UTR variant (1), intron variant (1).
Genome position (GRCh38, 1-based): chr21:46,129,319, A>G. VCF-style: chr21-46129319-A-G. GRCh37 (hg19) VCF-style: chr21-47549233-A-G.
Other names: c.*391A>G (NM_058175.3); c.2462-2635A>G (NM_001849.4); short protein forms Q862R.
Identifiers: ClinVar variation 4982770 (VCV004982770.1).

ClinVar aggregate classification (germline): Uncertain significance (1 of 4 stars; one submission).

Conditions:
COL6A2-related disorder.

Submission:

PreventionGenetics, part of Exact Sciences
Classification: Uncertain significance for COL6A2-related condition. Last evaluated: 2026-06-06. Review status: criteria provided, single submitter. Criteria: ACMG Guidelines, 2015. Collection method: clinical testing. Allele origin: germline.
Comment: The COL6A2 c.2585A>G variant is predicted to result in the amino acid substitution p.Gln862Arg. To our knowledge, this variant has not been reported in the literature or in a large population database (gnomAD), indicating this variant is rare. At this time, the clinical significance of this variant is uncertain due to the absence of conclusive functional and genetic evidence.